The following is an entry in ClinVar:

NM_003282.4(TNNI2):c.524AGA[1] (p.Lys176del)

Gene: TNNI2 (troponin I2, fast skeletal type; plus strand). Cytogenetic location: 11p15.5.
Variant type: Microsatellite.
Coding change: c.524AGA[1] on transcript NM_003282.4 (MANE Select); one copy of the 3-base unit AGA starting at c.524; the reference has two copies in a row; one copy, 3 bases deleted; also written c.527_529del.
Protein change: p.Lys176del; deletes lysine 176.
Molecular consequence: inframe deletion.
Genome position (GRCh38, 1-based): chr11:1,841,529-1,841,531, AGA deleted; deleting any 3 consecutive bases within chr11:1,841,524-1,841,531 gives the same sequence; the position shown is the placement nearest the transcript's 3' end. VCF-style (leftmost placement, unchanged base first): chr11-1841523-GGAA-G. GRCh37 (hg19) VCF-style: chr11-1862753-GGAA-G.
Other names: c.527_529delAGA (NM_003282.3); c.527_529del (NM_003282.4, NM_003282.3); c.524AGA[1], p.Lys176del (NM_001145829.2, NM_001145841.2); short protein forms K176del.
Identifiers: ClinVar variation 12437 (VCV000012437.12), dbSNP rs199474801, ClinGen allele CA122381.

ClinVar aggregate classification (germline): Pathogenic/Likely pathogenic. Review status: criteria provided, multiple submitters, no conflicts (2 of 4 stars). 8 submissions from 8 submitters: Pathogenic (3); Likely pathogenic (2). 3 of the submissions do not count toward it. Last evaluated 2025-10-01.

Conditions:
TNNI2-related disorder. Also called: TNNI2-related condition.
Distal arthrogryposis type 2B1 (DA2B1). Also called: Arthrogryposis multiplex congenita distal type II with craniofacial abnormalities. Identifiers: Orphanet 1147, MedGen C5193014, MONDO:0020820, OMIM 601680.

Submissions (8):

GeneDx
Classification: Pathogenic. Last evaluated: 2025-10-01. Review status: criteria provided, single submitter. Criteria: GeneDx Variant Classification Process June 2021. Collection method: clinical testing. Allele origin: germline. Affected: yes.
Comment: In-frame deletion of 1 amino acid(s) in a non-repeat region; Not observed at significant frequency in large population cohorts (gnomAD); In silico analysis supports a deleterious effect on protein structure/function; This variant is associated with the following publications: (PMID: 23401156, 19325803, 17380469, 25340332, 16924011, 18331830, 33060286, 27535533, 16802141)

3billion
Classification: Likely pathogenic for Distal arthrogryposis type 2B1. Last evaluated: 2024-07-22. Review status: criteria provided, single submitter. Criteria: ACMG Guidelines, 2015. Collection method: clinical testing. Allele origin: germline. Affected: yes.
Comment: The variant is not observed in the gnomAD v4.0.0 dataset. Predicted Consequence/Location: Inframe deletion located in a nonrepeat region: predicted to change the length of the protein and disrupt normal protein function. The variant has been reported at least twice as pathogenic with clinical assertions and evidence for the classification (ClinVar ID: VCV000012437 /PMID: 16924011). Therefore, this variant is classified as Likely pathogenic according to the recommendation of ACMG/AMP guideline.

Fulgent Genetics
Classification: Likely pathogenic for Distal arthrogryposis type 2B1. Last evaluated: 2021-08-23. Review status: criteria provided, single submitter. Criteria: ACMG Guidelines, 2015. Collection method: clinical testing. Allele origin: unknown.

Juno Genomics, Hangzhou Juno Genomics, Inc
Classification: Pathogenic for Distal arthrogryposis type 2B1. Review status: criteria provided, single submitter. Criteria: ACMG Guidelines, 2015. Collection method: clinical testing. Allele origin: germline. Affected: yes.
Comment: Absent from controls (or at extremely low frequency if recessive) in Genome Aggregation Database, Exome Sequencing Project, 1000 Genomes Project, or Exome Aggregation Consortium.;Protein length changes due to in-frame deletions/insertions in a non-repeat region or stop-loss variants.;The prevalence of the variant in affected individuals is significantly increased compared to the prevalence in controls.;Assumed de novo, but without confirmation of paternity and maternity.;Patient's phenotype or family history is highly specific for a disease with a single genetic etiology.;Co-segregation with disease in multiple affected family members in a gene definitively known to cause the disease.

Pars Genome Lab
Classification: Pathogenic for Distal arthrogryposis type 2B1. Review status: criteria provided, single submitter. Criteria: ACMG Guidelines, 2015. Collection method: clinical testing. Allele origin: de novo. Inheritance: Autosomal dominant inheritance. Affected: yes.

PreventionGenetics, part of Exact Sciences
Classification: Pathogenic for TNNI2-related condition. Last evaluated: 2024-05-27. Review status: no assertion criteria provided. Collection method: clinical testing. Allele origin: germline. Not counted in ClinVar's aggregate classification.
Comment: The TNNI2 c.527_529delAGA variant is predicted to result in an in-frame deletion (p.Lys176del). This variant was reported to segregate in five family members with distal arthrogryposis (Kimber et al. 2006. PubMed ID: 16924011). This variant has also been reported in several other unrelated individuals with distal arthrogryposis (Jiang et al. 2006. PubMed ID: 16802141; Beck et al. 2013. PubMed ID: 23401156). This variant has not been reported in a large population database, indicating this variant is rare. This variant is interpreted as pathogenic.

OMIM
Classification: Pathogenic for ARTHROGRYPOSIS, DISTAL, TYPE 2B1. Last evaluated: 2006-09-01. Review status: no assertion criteria provided. Collection method: literature only. Allele origin: germline. Not counted in ClinVar's aggregate classification.

TNNI2 homepage - Leiden Muscular Dystrophy pages
No classification provided. Review status: no classification provided. Collection method: not provided. Allele origin: germline. Not counted in ClinVar's aggregate classification.
Comment: has functional consequence

Literature cited by the submitters: PubMed 16924011 (cited by 3billion and OMIM); PubMed 16802141 (cited by OMIM).